The following is an entry in ClinVar:

NM_002528.7(NTHL1):c.116A>C (p.Glu39Ala)

Gene: NTHL1 (nth like DNA glycosylase 1; minus strand). Cytogenetic location: 16p13.3.
Variant type: single nucleotide variant.
Coding change: c.116A>C on transcript NM_002528.7 (MANE Select); coding-DNA position 116, A replaced by C.
Protein change: p.Glu39Ala; replaces glutamic acid 39 with alanine.
Molecular consequence: missense variant. On other transcripts: 5 prime UTR variant (1).
Genome position (GRCh38, 1-based): chr16:2,046,366, T>G on the plus strand (A>C on the coding strand, the complement: NTHL1 is on the minus strand). VCF-style: chr16-2046366-T-G. GRCh37 (hg19) VCF-style: chr16-2096367-T-G.
Other names: c.116A>C, p.Glu39Ala (NM_001318193.2); c.-63A>C (NM_001318194.2); short protein forms E39A.
Identifiers: ClinVar variation 850422 (VCV000850422.8), dbSNP rs2084387796, ClinGen allele CA394298119.

ClinVar aggregate classification (germline): Uncertain significance (1 of 4 stars; one submission).

Submission:

Labcorp Genetics (formerly Invitae), Labcorp
Classification: Uncertain significance. Last evaluated: 2019-03-19. Review status: criteria provided, single submitter. Criteria: Invitae Variant Classification Sherloc (09022015). Collection method: clinical testing. Allele origin: germline.
Comment: In summary, the available evidence is currently insufficient to determine the role of this variant in disease. Therefore, it has been classified as a Variant of Uncertain Significance. Algorithms developed to predict the effect of missense changes on protein structure and function (SIFT, PolyPhen-2, Align-GVGD) all suggest that this variant is likely to be tolerated, but these predictions have not been confirmed by published functional studies and their clinical significance is uncertain. This variant has not been reported in the literature in individuals with NTHL1-related conditions. This variant is not present in population databases (ExAC no frequency). This sequence change replaces glutamic acid with alanine at codon 47 of the NTHL1 protein (p.Glu47Ala). The glutamic acid residue is weakly conserved and there is a moderate physicochemical difference between glutamic acid and alanine.